The following is an entry in ClinVar:

NM_002775.5(HTRA1):c.1055C>A (p.Ser352Tyr)

Gene: HTRA1 (HtrA serine peptidase 1; plus strand). Cytogenetic location: 10q26.13.
Variant type: single nucleotide variant.
Coding change: c.1055C>A on transcript NM_002775.5 (MANE Select); coding-DNA position 1055, C replaced by A.
Protein change: p.Ser352Tyr; replaces serine 352 with tyrosine.
Molecular consequence: missense variant.
Genome position (GRCh38, 1-based): chr10:122,508,705, C>A. VCF-style: chr10-122508705-C-A. GRCh37 (hg19) VCF-style: chr10-124268221-C-A.
Other names: short protein forms S352Y.
Identifiers: ClinVar variation 4812856 (VCV004812856.1).
Genomic context (GRCh38, chr10:122,508,705, plus strand): 5'-TTGCTTTTCAGGACGGTGAAGTGATTGGAATTAACACTTTGAAAGTGACAGCTGGAATCT[C>A]CTTTGCAATCCCATCTGATAAGATTAAAAAGTTCCTCACGGAGTCCCATGACCGACAGGC-3'
Protein context (NP_002766.1, residues 342-362): INTLKVTAGI[Ser352Tyr]FAIPSDKIKK

ClinVar aggregate classification (germline): Likely pathogenic (1 of 4 stars; one submission).

Conditions:
Leukodystrophy, Adult-Onset. Identifiers: MedGen CN239186.

Submission:

Cambridge Genomics Laboratory, East Genomic Laboratory Hub, NHS Genomic Medicine Service
Classification: Likely pathogenic for Adult onset leukodystrophy. Last evaluated: 2023-11-27. Review status: criteria provided, single submitter. Criteria: ACGS Best Practice Guidelines for Variant Classification in Rare Disease 2020. Collection method: clinical testing. Allele origin: germline. Affected: yes.
Comment: The p.Ser352Tyr variant is novel (not in any individuals) in gnomAD All. The p.Ser352Tyr variant is novel (not in any individuals) in 1kG All. The p.Ser352Tyr variant is novel (not in any individuals) in gnomAD Genomes v3 All. (PM2 - Moderate) | The gene HTRA1 has a low rate of benign missense variation as indicated by a high missense variants Z-Score of 1.05. The gene HTRA1 contains 16 pathogenic missense variants, indicating that missense variants are a common mechanism of disease in this gene. (PP2 - Supporting) | There are no benign variants within 3 amino acid positions of the variant p.Ser352Tyr. (PM1 - Moderate) | The p.Ser352Tyr missense variant is predicted to be damaging by both SIFT and PolyPhen2. The nucleotide c.1055 in HTRA1 is predicted conserved by GERP++ and PhyloP across 100 vertebrates. (PP3 - Supporting)